The following is an entry in ClinVar:

NM_001018005.2(TPM1):c.160G>A (p.Glu54Lys)

Gene: TPM1 (tropomyosin 1; plus strand). Cytogenetic location: 15q22.2.
Variant type: single nucleotide variant.
Coding change: c.160G>A on transcript NM_001018005.2 (MANE Select); coding-DNA position 160, G replaced by A.
Protein change: p.Glu54Lys; replaces glutamic acid 54 with lysine.
Molecular consequence: missense variant. On other transcripts: intron variant (3).
Genome position (GRCh38, 1-based): chr15:63,044,072, G>A. VCF-style: chr15-63044072-G-A. GRCh37 (hg19) VCF-style: chr15-63336271-G-A.
Other names: p.E54K:GAA>AAA; c.160G>A, p.Glu54Lys (NM_000366.6, NM_001018004.2, NM_001018006.2 and 3 more transcripts); c.286G>A, p.Glu96Lys (NM_001365778.1); c.240+241G>A (NM_001018020.2, NM_001018007.2, NM_001301244.2); short protein forms E54K, E96K.
Identifiers: ClinVar variation 12458 (VCV000012458.16), dbSNP rs104894505, ClinGen allele CA018668.

ClinVar aggregate classification (germline): Conflicting classifications of pathogenicity. Review status: criteria provided, conflicting classifications (1 of 4 stars). 7 submissions from 7 submitters: Pathogenic (1); Likely pathogenic (3); Uncertain significance (1). 2 of the submissions do not count toward it. Last evaluated 2026-10-02.

Conditions:
TPM1-related disorder. Also called: TPM1-related condition.
Cardiovascular phenotype. Identifiers: MedGen CN230736.
Dilated cardiomyopathy 1Y (CMD1Y). Identifiers: Orphanet 154, Orphanet 54260, MedGen C2678476, MONDO:0012744, OMIM 611878.
Hypertrophic cardiomyopathy. Also called: HYPERTROPHIC MYOCARDIOPATHY. Identifiers: Orphanet 217569, MedGen C0007194, MeSH D002312, MONDO:0005045, HP:0001639.

Submissions (7):

GeneDx
Classification: Pathogenic. Last evaluated: 2026-10-02. Review status: criteria provided, single submitter. Criteria: GeneDx Variant Classification Process June 2021. Collection method: clinical testing. Allele origin: germline.
Comment: Published functional studies demonstrate decreased calcium sensitivity, impaired actin binding, and reduced contractility leading to a cardiomyopathy phenotype (PMID: 23539503, 15923195, 19222994); Not observed at significant frequency in large population cohorts (gnomAD); In silico analysis supports that this missense variant has a deleterious effect on protein structure/function; This variant is associated with the following publications: (PMID: 18056765, 23539503, 23147248, 26293307, 25241052, 19646950, 15923195, 23077624, 11273725, 17556658, 26109583, 27878731, 25520664, 19222994)

Labcorp Genetics (formerly Invitae), Labcorp
Classification: Uncertain significance for Hypertrophic cardiomyopathy. Last evaluated: 2025-05-23. Review status: criteria provided, single submitter. Criteria: Invitae Variant Classification Sherloc (09022015). Collection method: clinical testing. Allele origin: germline.
Comment: This sequence change replaces glutamic acid, which is acidic and polar, with lysine, which is basic and polar, at codon 54 of the TPM1 protein (p.Glu54Lys). This variant is not present in population databases (gnomAD no frequency). This missense change has been observed in individual(s) with clinical features of dilated cardiomyopathy (PMID: 11273725). ClinVar contains an entry for this variant (Variation ID: 12458). An algorithm developed to predict the effect of missense changes on protein structure and function (PolyPhen-2) suggests that this variant is likely to be disruptive. Experimental studies have shown that this missense change affects TPM1 function (PMID: 16043485, 17556658, 19222994, 19646950, 23077624, 23539503, 25520664, 27878731). In summary, the available evidence is currently insufficient to determine the role of this variant in disease. Therefore, it has been classified as a Variant of Uncertain Significance.

Ambry Genetics
Classification: Likely pathogenic for Cardiovascular phenotype. Last evaluated: 2025-03-04. Review status: criteria provided, single submitter. Criteria: Ambry Variant Classification Scheme 2023. Collection method: clinical testing. Allele origin: germline.
Comment: The p.E54K variant (also known as c.160G>A), located in coding exon 2 of the TPM1 gene, results from a G to A substitution at nucleotide position 160. The glutamic acid at codon 54 is replaced by lysine, an amino acid with similar properties. This variant was reported in individual(s) with features consistent with TPM1- related cardiomyopathy and segregated with disease in at least one family (Olson TM et al. J Mol Cell Cardiol, 2001 Apr;33:723-32; Ambry internal data; external communication). In multiple assays testing TPM1 function, this variant showed functionally abnormal results (Mirza M et al. J Biol Chem, 2005 Aug;280:28498-506; Chang AN et al. Front Physiol, 2014 Dec;5:460; Borovikov YS et al. Biochem Biophys Res Commun, 2009 Apr;381:403-6; Memo M et al. Cardiovasc Res, 2013 Jul;99:65-73). An animal model expressing this variant exhibited phenotype(s) consistent with TPM1-related disease (Rajan S et al. Circ Res, 2007 Jul;101:205-14). This missense alteration is located in a region that has a low rate of benign missense variation (Lek M et al. Nature. 2016 Aug 18;536(7616):285-91; DECIPHER: Database of Chromosomal Imbalance and Phenotype in Humans using Ensembl Resources. Firth H.V. et al. 2009. Am.J.Hum.Genet. 84, 524-533 (DOI)). This amino acid position is highly conserved in available vertebrate species. In addition, this alteration is predicted to be deleterious by in silico analysis. This variant is considered to be rare based on population cohorts in the Genome Aggregation Database (gnomAD). Based on the majority of available evidence to date, this variant is likely to be pathogenic.

Clinical Genetics Laboratory, Skane University Hospital Lund
Classification: Likely pathogenic. Last evaluated: 2023-11-01. Review status: criteria provided, single submitter. Criteria: ACMG Guidelines, 2015. Collection method: clinical testing. Allele origin: germline. Affected: yes.

Blueprint Genetics
Classification: Likely pathogenic for TPM1-related disorders. Last evaluated: 2018-10-18. Review status: criteria provided, single submitter. Criteria: ACMG Guidelines, 2015. Collection method: clinical testing. Allele origin: germline. Affected: yes. Observed: 1 variant allele.

Leiden Muscular Dystrophy (TPM1)
No classification provided. Condition: Dilated cardiomyopathy 1Y. Last evaluated: 2012-04-15. Review status: no classification provided. Collection method: curation. Allele origin: germline. Not counted in ClinVar's aggregate classification.

OMIM
Classification: Pathogenic for CARDIOMYOPATHY, DILATED, 1Y. Last evaluated: 2001-04-01. Review status: no assertion criteria provided. Collection method: literature only. Allele origin: germline. Not counted in ClinVar's aggregate classification.

Literature cited by the submitters: PubMed 11273725 (cited by 3 submitters); PubMed 16043485 (cited by Labcorp Genetics (formerly Invitae), Labcorp); PubMed 17556658 (cited by Labcorp Genetics (formerly Invitae), Labcorp and Ambry Genetics); PubMed 19222994 (cited by Labcorp Genetics (formerly Invitae), Labcorp and Ambry Genetics); PubMed 19646950 (cited by Labcorp Genetics (formerly Invitae), Labcorp and Ambry Genetics); PubMed 23077624 (cited by Labcorp Genetics (formerly Invitae), Labcorp); PubMed 23539503 (cited by Labcorp Genetics (formerly Invitae), Labcorp and Ambry Genetics); PubMed 25520664 (cited by Labcorp Genetics (formerly Invitae), Labcorp and Ambry Genetics); PubMed 27878731 (cited by Labcorp Genetics (formerly Invitae), Labcorp and Ambry Genetics); PubMed 15923195 (cited by Ambry Genetics); PubMed 25241052 (cited by Ambry Genetics); PubMed 26065842 (cited by Ambry Genetics); PubMed 26109583 (cited by Ambry Genetics); PubMed 29636697 (cited by Ambry Genetics).